The following is an entry in ClinVar:

NM_022124.6(CDH23):c.4953C>T (p.Asn1651=)

Gene: CDH23 (cadherin related 23; plus strand). Cytogenetic location: 10q22.1.
Variant type: single nucleotide variant.
Coding change: c.4953C>T on transcript NM_022124.6 (MANE Select); coding-DNA position 4953, C replaced by T.
Protein change: p.Asn1651=; no amino-acid change (asparagine 1651 retained).
Molecular consequence: synonymous variant.
Genome position (GRCh38, 1-based): chr10:71,777,787, C>T. VCF-style: chr10-71777787-C-T. GRCh37 (hg19) VCF-style: chr10-73537544-C-T.
Identifiers: ClinVar variation 45958 (VCV000045958.12), dbSNP rs397517332, ClinGen allele CA137448.

ClinVar aggregate classification (germline): Likely benign. Review status: criteria provided, multiple submitters, no conflicts (2 of 4 stars). 2 submissions from 2 submitters: Likely benign (2). Last evaluated 2024-02-23.

Allele frequency attached by ClinVar (database versions not stated): ExAC 0.00001; gnomAD exomes 0.00001 and 0.00002.
gnomAD v4.1: 15 of 1,613,938 alleles (0.00093%); highest among the groups gnomAD compares: Non-Finnish European, 0.0013%; no homozygotes.

Submissions (2):

Labcorp Genetics (formerly Invitae), Labcorp
Classification: Likely benign. Last evaluated: 2024-02-23. Review status: criteria provided, single submitter. Criteria: Invitae Variant Classification Sherloc (09022015). Collection method: clinical testing. Allele origin: germline.

Laboratory for Molecular Medicine, Mass General Brigham Personalized Medicine
Classification: Likely benign. Last evaluated: 2012-04-17. Review status: criteria provided, single submitter. Criteria: LMM Criteria. Collection method: clinical testing. Allele origin: germline. Observed: 1 variant allele.
Comment: sn1651Asn in exon 39 of CDH23: This variant is not expected to have clinical sig nificance because it does not alter an amino acid residue and is not located wit hin the splice consensus sequence.